The following is an entry in ClinVar:

NM_000384.3(APOB):c.13463T>C (p.Ile4488Thr)

Gene: APOB (apolipoprotein B; minus strand). Cytogenetic location: 2p24.1.
Variant type: single nucleotide variant.
Coding change: c.13463T>C on transcript NM_000384.3 (MANE Select); coding-DNA position 13463, T replaced by C.
Protein change: p.Ile4488Thr; replaces isoleucine 4488 with threonine.
Molecular consequence: missense variant.
Genome position (GRCh38, 1-based): chr2:21,001,959, A>G on the plus strand (T>C on the coding strand, the complement: APOB is on the minus strand). VCF-style: chr2-21001959-A-G. GRCh37 (hg19) VCF-style: chr2-21224831-A-G.
Other names: short protein forms I4488T.
Identifiers: ClinVar variation 927119 (VCV000927119.9), dbSNP rs374389311, ClinGen allele CA052902.

ClinVar aggregate classification (germline): Conflicting classifications of pathogenicity. Review status: criteria provided, conflicting classifications (1 of 4 stars). 3 submissions from 3 submitters: Uncertain significance (2); Benign (1). Last evaluated 2025-02-19.

Conditions:
Cardiovascular phenotype. Identifiers: MedGen CN230736.
Familial hypobetalipoproteinemia 1. Also called: Hypobetalipoproteinemia, normotriglyceridemic; Acanthocytosis with hypobetalipoproteinemia; APOB-Related Familial Hypobetalipoproteinemia. Identifiers: MedGen C4551990, MONDO:0014252, OMIM 615558.
Hypercholesterolemia, autosomal dominant, type B (FHCL2). Also called: Familial Hypercholesterolemia Type B; HYPERCHOLESTEROLEMIA, FAMILIAL, DUE TO LIGAND-DEFECTIVE APOLIPOPROTEIN B; Familial hypercholesterolemia 2; APOB-Related Familial Hypercholesterolemia, Autosomal Dominant; APOLIPOPROTEIN B-100, FAMILIAL DEFECTIVE; APOLIPOPROTEIN B-100, FAMILIAL LIGAND-DEFECTIVE. Identifiers: MedGen C1704417, MONDO:0007751, OMIM 144010.

Allele frequency attached by ClinVar (database versions not stated): gnomAD exomes 0.00001 and 0.00002; ExAC 0.00002; gnomAD 0.00002; TOPMed 0.00002; ESP Exome Variant Server 0.00008.
gnomAD v4.1: 12 of 1,613,946 alleles (0.00074%); highest among the groups gnomAD compares: African/African-American, 0.0013%; no homozygotes.

Submissions (3):

Labcorp Genetics (formerly Invitae), Labcorp
Classification: Benign for Familial hypobetalipoproteinemia 1; Hypercholesterolemia, autosomal dominant, type B. Last evaluated: 2025-02-19. Review status: criteria provided, single submitter. Criteria: Invitae Variant Classification Sherloc (09022015). Collection method: clinical testing. Allele origin: germline.

Ambry Genetics
Classification: Uncertain significance for Cardiovascular phenotype. Last evaluated: 2024-10-07. Review status: criteria provided, single submitter. Criteria: Ambry Variant Classification Scheme 2023. Collection method: clinical testing. Allele origin: germline.
Comment: The p.I4488T variant (also known as c.13463T>C), located in coding exon 29 of the APOB gene, results from a T to C substitution at nucleotide position 13463. The isoleucine at codon 4488 is replaced by threonine, an amino acid with similar properties. This amino acid position is conserved. In addition, this alteration is predicted to be tolerated by in silico analysis. Since supporting evidence is limited at this time, the clinical significance of this alteration remains unclear.

Fulgent Genetics
Classification: Uncertain significance for Hypercholesterolemia, autosomal dominant, type B; Familial hypobetalipoproteinemia 1. Last evaluated: 2021-09-21. Review status: criteria provided, single submitter. Criteria: ACMG Guidelines, 2015. Collection method: clinical testing. Allele origin: unknown.